The following is an entry in ClinVar:

ClinVar aggregate classification (germline): Uncertain significance (1 of 4 stars; one submission).

Conditions:
Hereditary cancer-predisposing syndrome. Also called: Neoplastic Syndromes, Hereditary; Hereditary neoplastic syndrome; Tumor predisposition; Hereditary Cancer Syndrome. Identifiers: Orphanet 140162, MedGen C0027672, MeSH D009386, MONDO:0015356.

gnomAD v4.1: 1 of 1,613,968 alleles (0.000062%); highest among the groups gnomAD compares: African/African-American, 0.0013%; no homozygotes.

Submission:

Ambry Genetics
Classification: Uncertain significance for Hereditary cancer-predisposing syndrome. Last evaluated: 2026-02-16. Review status: criteria provided, single submitter. Criteria: Ambry Variant Classification Scheme 2023. Collection method: clinical testing. Allele origin: germline.
Comment: The p.P257T variant (also known as c.769C>A), located in coding exon 7 of the EPCAM gene, results from a C to A substitution at nucleotide position 769. The proline at codon 257 is replaced by threonine, an amino acid with highly similar properties. This amino acid position is conserved. In addition, the in silico prediction for this alteration is inconclusive. Based on the available evidence, the clinical significance of this variant remains unclear.

NM_002354.3(EPCAM):c.769C>A (p.Pro257Thr)

Gene: EPCAM (epithelial cell adhesion molecule; plus strand). Cytogenetic location: 2p21.
Variant type: single nucleotide variant.
Coding change: c.769C>A on transcript NM_002354.3 (MANE Select); coding-DNA position 769, C replaced by A.
Protein change: p.Pro257Thr; replaces proline 257 with threonine.
Molecular consequence: missense variant.
Genome position (GRCh38, 1-based): chr2:47,379,880, C>A. VCF-style: chr2-47379880-C-A. GRCh37 (hg19) VCF-style: chr2-47607019-C-A.
Other names: short protein forms P257T.
Identifiers: ClinVar variation 4824839 (VCV004824839.1).
Genomic context (GRCh38, chr2:47,379,880, plus strand): 5'-GGGGAACAACTGGATCTGGATCCTGGTCAAACTTTAATTTATTATGTTGATGAAAAAGCA[C>A]CTGAATTCTCAATGCAGGGTCTAAAAGCTGGTGTTATTGCTGTTATTGTGGTTGTGGTGA-3'
Protein context (NP_002345.2, residues 247-267): TLIYYVDEKA[Pro257Thr]EFSMQGLKAG